The following is an entry in ClinVar:

ClinVar aggregate classification (germline): Likely benign (1 of 4 stars; one submission).

Conditions:
Malignant hyperthermia, susceptibility to, 5 (MHS5). Also called: CACNA1S-Related Malignant Hyperthermia Susceptibility. Identifiers: Orphanet 423, MedGen C1866077, MONDO:0011163, OMIM 601887.

Submission:

All of Us Research Program, National Institutes of Health
Classification: Likely benign for Malignant hyperthermia, susceptibility to, 5. Last evaluated: 2024-04-25. Review status: criteria provided, single submitter. Criteria: ACMG Guidelines, 2015. Collection method: clinical testing. Allele origin: germline. Inheritance: Autosomal dominant inheritance. Observed: 1 variant allele, 1 heterozygote.
Comment: This study involves interpretation of variants in research participants for the purpose of population health screening. Participant phenotype was not available at the time of variant classification. Additional details can be found in publication PMID: 35346344, PMCID: PMC8962531

NM_000069.3(CACNA1S):c.5135-15C>T

Gene: CACNA1S (calcium voltage-gated channel subunit alpha1 S; minus strand). Cytogenetic location: 1q32.1.
Variant type: single nucleotide variant.
Coding change: c.5135-15C>T on transcript NM_000069.3 (MANE Select); 15 bases into the intron before coding-DNA position 5135, C replaced by T.
Molecular consequence: intron variant.
Genome position (GRCh38, 1-based): chr1:201,040,728, G>A on the plus strand (C>T on the coding strand, the complement: CACNA1S is on the minus strand). VCF-style: chr1-201040728-G-A. GRCh37 (hg19) VCF-style: chr1-201009856-G-A.
Identifiers: ClinVar variation 3386278 (VCV003386278.1).